The following is an entry in ClinVar:

ClinVar aggregate classification (germline): Conflicting classifications of pathogenicity. Review status: criteria provided, conflicting classifications (1 of 4 stars). 5 submissions from 5 submitters: Uncertain significance (4); Likely benign (1). Last evaluated 2026-09-01.

Conditions:
MYO15A-related disorder. Also called: MYO15A-related condition.
Childhood onset hearing loss.

Allele frequency attached by ClinVar (database versions not stated): gnomAD exomes 0.00006 and 0.00018; ExAC 0.00023; 1000 Genomes Project 30x 0.00047; 1000 Genomes Project 0.00060; ESP Exome Variant Server 0.00065; gnomAD 0.00073; TOPMed 0.00081.
gnomAD v4.1: 192 of 1,613,230 alleles (0.012%); highest among the groups gnomAD compares: African/African-American, 0.24%; no homozygotes.

Submissions (5):

GeneDx
Classification: Uncertain significance. Last evaluated: 2026-09-01. Review status: criteria provided, single submitter. Criteria: GeneDx Variant Classification Process June 2021. Collection method: clinical testing. Allele origin: germline.
Comment: In silico analysis indicates that this missense variant does not alter protein structure/function; This variant is associated with the following publications: (PMID: 34837038)

PreventionGenetics, part of Exact Sciences
Classification: Uncertain significance for MYO15A-related condition. Last evaluated: 2026-05-18. Review status: criteria provided, single submitter. Criteria: ACMG Guidelines, 2015. Collection method: clinical testing. Allele origin: germline.
Comment: The MYO15A c.3196G>C variant is predicted to result in the amino acid substitution p.Ala1066Pro. This variant was reported along with a pathogenic MYO15A variant in an individual with hearing loss (Adeyemo et al. 2022. PubMed ID: 34837038). This variant is reported in 0.27% of alleles in individuals of African descent in gnomAD. At this time, the clinical significance of this variant is uncertain due to the absence of conclusive functional and genetic evidence.

Labcorp Genetics (formerly Invitae), Labcorp
Classification: Likely benign. Last evaluated: 2025-08-22. Review status: criteria provided, single submitter. Criteria: Invitae Variant Classification Sherloc (09022015). Collection method: clinical testing. Allele origin: germline.

National Institute on Deafness and Communication Disorders, National Institutes of Health
Classification: Uncertain significance for Childhood onset hearing loss. Last evaluated: 2021-07-08. Review status: criteria provided, single submitter. Criteria: ClinGen HL ACMG Specifications v1. Collection method: research. Allele origin: germline. Inheritance: Autosomal recessive inheritance. Affected: yes. Observed: 1 heterozygote. Segregation with disease not observed.
Comment: PM3_moderate / Modifications from PMID: 30311386 for classification: The genetic causes of hearing loss have not yet been well characterized in the Yoruba population, and the information regarding variant MAF in this population is still limited, so we did not exclude any variant based on their "high" MAF. PP3 criteria was applied even if the REVEL score was below 0.7, if at least two of the pathogenicity prediction algorithms used predicted that the variant was damaging or likely damaging.

was found associated with NM_016239.4:c.7006C>T

ARUP Laboratories, Molecular Genetics and Genomics, ARUP Laboratories
Classification: Uncertain significance. Last evaluated: 2017-09-05. Review status: criteria provided, single submitter. Criteria: ARUP Molecular Germline Variant Investigation Process. Collection method: clinical testing. Allele origin: germline.
Comment: The p.Ala1066Pro variant (rs199537186) has not been reported in the medical literature, nor is it listed in ClinVar. This variant is listed in the Genome Aggregation Database (gnomAD) browser with an allele frequency of 0.26% in the African population (identified in 62 out of 23,994 chromosomes; 0 homozygotes). The alanine at codon 1066 is highly conserved considering 11 species up to cow (Alamut software v2.9.0), but computational analyses suggest that this variant does not affect the MYO15A protein structure/function (SIFT: tolerated, PolyPhen2: benign, MutationTaster: polymorphism). However, based on the available information, the clinical significance of the p.Ala1066Pro variant cannot be determined with certainty.

NM_016239.4(MYO15A):c.3196G>C (p.Ala1066Pro)

Gene: MYO15A (myosin XVA; plus strand). Cytogenetic location: 17p11.2.
Variant type: single nucleotide variant.
Coding change: c.3196G>C on transcript NM_016239.4 (MANE Select); coding-DNA position 3196, G replaced by C.
Protein change: p.Ala1066Pro; replaces alanine 1066 with proline.
Molecular consequence: missense variant.
Genome position (GRCh38, 1-based): chr17:18,121,996, G>C. VCF-style: chr17-18121996-G-C. GRCh37 (hg19) VCF-style: chr17-18025310-G-C.
Other names: short protein forms A1066P.
Identifiers: ClinVar variation 618237 (VCV000618237.27), dbSNP rs199537186, ClinGen allele CA8423403.